The following is an entry in ClinVar:

NM_020987.5(ANK3):c.8140A>G (p.Lys2714Glu)

Gene: ANK3 (ankyrin 3; minus strand). Cytogenetic location: 10q21.2.
Variant type: single nucleotide variant.
Coding change: c.8140A>G on transcript NM_020987.5 (MANE Select); coding-DNA position 8140, A replaced by G.
Protein change: p.Lys2714Glu; replaces lysine 2714 with glutamic acid.
Molecular consequence: missense variant. On other transcripts: intron variant (4).
Genome position (GRCh38, 1-based): chr10:60,072,741, T>C on the plus strand (A>G on the coding strand, the complement: ANK3 is on the minus strand). VCF-style: chr10-60072741-T-C. GRCh37 (hg19) VCF-style: chr10-61832499-T-C.
Other names: c.4388-4732A>G (NM_001204403.2); c.4409-4732A>G (NM_001204404.2); c.4406-4732A>G (NM_001320874.2); c.1808-4732A>G (NM_001149.4); short protein forms K2714E.
Identifiers: ClinVar variation 3711749 (VCV003711749.2).

ClinVar aggregate classification (germline): Uncertain significance (1 of 4 stars; one submission).

gnomAD v4.1: 1 of 1,614,120 alleles (0.000062%); highest among the groups gnomAD compares: Non-Finnish European, 0.000085%; no homozygotes.

Submission:

Labcorp Genetics (formerly Invitae), Labcorp
Classification: Uncertain significance. Last evaluated: 2025-02-03. Review status: criteria provided, single submitter. Criteria: Invitae Variant Classification Sherloc (09022015). Collection method: clinical testing. Allele origin: germline.
Comment: This sequence change replaces lysine, which is basic and polar, with glutamic acid, which is acidic and polar, at codon 2714 of the ANK3 protein (p.Lys2714Glu). This variant is not present in population databases (gnomAD no frequency). This variant has not been reported in the literature in individuals affected with ANK3-related conditions. Invitae Evidence Modeling of protein sequence and biophysical properties (such as structural, functional, and spatial information, amino acid conservation, physicochemical variation, residue mobility, and thermodynamic stability) indicates that this missense variant is not expected to disrupt ANK3 protein function with a negative predictive value of 80%. In summary, the available evidence is currently insufficient to determine the role of this variant in disease. Therefore, it has been classified as a Variant of Uncertain Significance.